The following is an entry in ClinVar:

NM_145886.4(PIDD1):c.2173C>T (p.Arg725Cys)

Gene: PIDD1 (p53-induced death domain protein 1; minus strand). Cytogenetic location: 11p15.5.
Variant type: single nucleotide variant.
Coding change: c.2173C>T on transcript NM_145886.4 (MANE Select); coding-DNA position 2173, C replaced by T.
Protein change: p.Arg725Cys; replaces arginine 725 with cysteine.
Molecular consequence: missense variant.
Genome position (GRCh38, 1-based): chr11:800,232, G>A on the plus strand (C>T on the coding strand, the complement: PIDD1 is on the minus strand). VCF-style: chr11-800232-G-A. GRCh37 (hg19) VCF-style: chr11-800232-G-A.
Other names: c.2122C>T, p.Arg708Cys (NM_145887.4); short protein forms R708C, R725C.
Identifiers: ClinVar variation 1683905 (VCV001683905.11), dbSNP rs150191339, ClinGen allele CA5789678.
Genomic context (GRCh38, chr11:800,232, plus strand): 5'-CGCCCTTCCTCTGCCGGGCAGCCTCAGCCTCCTCGGGCACCCGCACAGGCACCGCGCCAC[G>A]GTAGAAGGACACCTGAAGGGGCATCGAATGGGGTTCGGAGTTCGGTCCTCTGCCCAAGCG-3'
Protein context (NP_665893.2, residues 715-735): QAVRGQVSFY[Arg725Cys]GAVPVRVPEE

ClinVar aggregate classification (germline): Conflicting classifications of pathogenicity. Review status: criteria provided, conflicting classifications (1 of 4 stars). 5 submissions from 5 submitters: Likely pathogenic (1); Uncertain significance (4). Last evaluated 2026-08-31.

Conditions:
Intellectual developmental disorder, autosomal recessive 75, with neuropsychiatric features and variant lissencephaly (MRT75). Identifiers: MedGen C5676961, MONDO:0030785, OMIM 619827.
PIDD1-related disorder. Also called: PIDD1-related condition.
Inborn genetic diseases. Identifiers: MedGen C0950123, MeSH D030342.

Allele frequency attached by ClinVar (database versions not stated): gnomAD 0.00032 and 0.00031; TOPMed 0.00069; ExAC 0.00005; gnomAD exomes 0.00005 and 0.00004; 1000 Genomes Project 30x 0.00031; ESP Exome Variant Server 0.00008; 1000 Genomes Project 0.00040.
gnomAD v4.1: 118 of 1,610,258 alleles (0.0073%); highest among the groups gnomAD compares: Admixed American, 0.088%; no homozygotes.

Submissions (5):

GeneDx
Classification: Likely pathogenic. Last evaluated: 2026-08-31. Review status: criteria provided, single submitter. Criteria: GeneDx Variant Classification Process June 2021. Collection method: clinical testing. Allele origin: germline.
Comment: In silico analysis supports that this missense variant has a deleterious effect on protein structure/function; Has not been previously published as pathogenic or benign to our knowledge; Not observed at significant frequency in large population cohorts (gnomAD)

PreventionGenetics, part of Exact Sciences
Classification: Uncertain significance for PIDD1-related condition. Last evaluated: 2025-12-08. Review status: criteria provided, single submitter. Criteria: ACMG Guidelines, 2015. Collection method: clinical testing. Allele origin: germline.
Comment: The PIDD1 c.2173C>T variant is predicted to result in the amino acid substitution p.Arg725Cys. To our knowledge, this variant has not been reported in the literature. This variant is reported in 0.014% of alleles in individuals of Latino descent in gnomAD. At this time, the clinical significance of this variant is uncertain due to the absence of conclusive functional and genetic evidence.

3billion
Classification: Uncertain significance for Intellectual developmental disorder, autosomal recessive 75, with neuropsychiatric features and variant lissencephaly. Last evaluated: 2025-08-18. Review status: criteria provided, single submitter. Criteria: ACMG Guidelines, 2015. Collection method: clinical testing. Allele origin: germline. Affected: yes.
Comment: The variant is observed at an extremely low frequency in the gnomAD v4.1.0 dataset (total allele frequency: 0.007%). Predicted Consequence/Location: Missense variant. The majority of the known disease-causing variants of this gene are variants expected to result in premature termination of the protein. Damaging effect on gene or gene product predicted by in silico programs is uncertain [REVEL: 0.43 (damaging >=0.6, benign <0.4), 3Cnet: 0.24 (damaging >0.75, benign <0.1)]. The variant has been reported as of uncertain significance (ClinVar ID: VCV001683905). Different missense changes at the same codon have been reported as of uncertain significance (ClinVar ID: VCV002351797). Therefore, this variant is classified as VUS according to the recommendation of ACMG/AMP guideline.

Blueprint Genetics
Classification: Uncertain significance. Last evaluated: 2024-10-01. Review status: criteria provided, single submitter. Criteria: ACMG Guidelines, 2015. Collection method: clinical testing. Allele origin: germline.

Ambry Genetics
Classification: Uncertain significance for Inborn genetic diseases. Last evaluated: 2024-04-09. Review status: criteria provided, single submitter. Criteria: Ambry Variant Classification Scheme 2023. Collection method: clinical testing. Allele origin: germline.
Comment: The c.2173C>T (p.R725C) alteration is located in exon 14 (coding exon 13) of the PIDD1 gene. This alteration results from a C to T substitution at nucleotide position 2173, causing the arginine (R) at amino acid position 725 to be replaced by a cysteine (C). Based on data from gnomAD, the T allele has an overall frequency of 0.006% (16/276776) total alleles studied. The highest observed frequency was 0.014% (5/35242) of Latino alleles. This amino acid position is highly conserved in available vertebrate species. The in silico prediction for this alteration is inconclusive. Based on insufficient or conflicting evidence, the clinical significance of this alteration remains unclear.